The following is an entry in ClinVar:

NM_144670.6(A2ML1):c.2515G>C (p.Asp839His)

Gene: A2ML1 (alpha-2-macroglobulin like 1; plus strand). Cytogenetic location: 12p13.31.
Variant type: single nucleotide variant.
Coding change: c.2515G>C on transcript NM_144670.6 (MANE Select); coding-DNA position 2515, G replaced by C.
Protein change: p.Asp839His; replaces aspartic acid 839 with histidine.
Molecular consequence: missense variant.
Genome position (GRCh38, 1-based): chr12:8,852,261, G>C. VCF-style: chr12-8852261-G-C. GRCh37 (hg19) VCF-style: chr12-9004857-G-C.
Other names: c.1042G>C, p.Asp348His (NM_001282424.3); short protein forms D348H, D839H.
Identifiers: ClinVar variation 1792464 (VCV001792464.4), dbSNP rs2539258631, ClinGen allele CA383833656.
Genomic context (GRCh38, chr12:8,852,261, plus strand): 5'-CCTCCGTAGGTTCAGACTGACCTGGCTAAATCGCATGAGTACCAGCTAGAATCATGGGCA[G>C]ATTCTCAGACCTCCAGTTGTCTCTGTGCTGATGACGCAAAAACCCACCACTGGAACATCA-3'
Protein context (NP_653271.3, residues 829-849): SHEYQLESWA[Asp839His]SQTSSCLCAD

ClinVar aggregate classification (germline): Uncertain significance. Review status: criteria provided, multiple submitters, no conflicts (2 of 4 stars). 2 submissions from 2 submitters: Uncertain significance (2). Last evaluated 2026-02-26.

Allele frequency attached by ClinVar (database versions not stated): gnomAD exomes below 0.00001.
gnomAD v4.1: 1 of 1,614,154 alleles (0.000062%); highest among the groups gnomAD compares: African/African-American, 0.0013%; no homozygotes.

Submissions (2):

Dasa
Classification: Uncertain significance. Last evaluated: 2026-02-26. Review status: criteria provided, single submitter. Criteria: DASA Assertion Criteria. Collection method: clinical testing. Allele origin: germline.
Comment: NM_144670.6(A2ML1):c.2515G>C (p.Asp839His) is a missense variant that results in the substitution of aspartic acid with histidine. This variant is rare in population databases. Computational prediction algorithms are consistent with a benign effect. The currently available literature and clinical evidence are not sufficient to establish a definitive association between this variant and the reported condition. Therefore, this variant is classified as a variant of uncertain significance.

Ambry Genetics
Classification: Uncertain significance. Last evaluated: 2022-10-17. Review status: criteria provided, single submitter. Criteria: Ambry Variant Classification Scheme 2023. Collection method: clinical testing. Allele origin: germline.
Comment: The p.D839H variant (also known as c.2515G>C), located in coding exon 20 of the A2ML1 gene, results from a G to C substitution at nucleotide position 2515. The aspartic acid at codon 839 is replaced by histidine, an amino acid with similar properties. This amino acid position is conserved. In addition, this alteration is predicted to be tolerated by in silico analysis. Since supporting evidence is limited at this time, the clinical significance of this alteration remains unclear.